The following is an entry in ClinVar:

ClinVar aggregate classification (germline): Uncertain significance (1 of 4 stars; one submission).

Submission:

CeGaT Center for Human Genetics Tuebingen
Classification: Uncertain significance. Last evaluated: 2026-07-01. Review status: criteria provided, single submitter. Criteria: CeGaT Center For Human Genetics Tuebingen Variant Classification Criteria Version 2. Collection method: clinical testing. Allele origin: germline. Affected: yes. Observed: 1 variant allele.
Comment: FAT2: PM2:Supporting, BP4

NM_001447.3(FAT2):c.4830C>T (p.Gly1610=)

Genes: FAT2 (FAT atypical cadherin 2; minus strand), SLC36A1 (solute carrier family 36 member 1; plus strand). Cytogenetic location: 5q33.1.
Variant type: single nucleotide variant.
Coding change: c.4830C>T on transcript NM_001447.3 (MANE Select); coding-DNA position 4830, C replaced by T.
Protein change: p.Gly1610=; no amino-acid change (glycine 1610 retained).
Molecular consequence: synonymous variant.
Genome position (GRCh38, 1-based): chr5:151,546,297, G>A on the plus strand (C>T on the coding strand, the complement: FAT2 is on the minus strand). VCF-style: chr5-151546297-G-A. GRCh37 (hg19) VCF-style: chr5-150925858-G-A.
Identifiers: ClinVar variation 5040218 (VCV005040218.1).
Genomic context (GRCh38, chr5:151,546,297, plus strand): 5'-CACTGTCAGAGTATGTGGGGCATGATTTGCCTGATCAAGCTTTTGAGCTAGAGTAATGAT[G>A]CCTAGCAGGGCATTGATGTTGAAGAAACCTTCGCTGTTCCCTGAAACAGAAGACAAGACA-3'
Protein context (NP_001438.1, residues 1600-1620): EGFFNINALL[Gly1610=]IITLAQKLDQ